The following is an entry in ClinVar:

ClinVar aggregate classification (germline): Uncertain significance (1 of 4 stars; one submission).

Conditions:
Hereditary cancer-predisposing syndrome. Also called: Tumor predisposition; Hereditary Cancer Syndrome; Hereditary neoplastic syndrome; Neoplastic Syndromes, Hereditary. Identifiers: Orphanet 140162, MedGen C0027672, MeSH D009386, MONDO:0015356.

Submission:

Ambry Genetics
Classification: Uncertain significance for Hereditary cancer-predisposing syndrome. Last evaluated: 2023-08-28. Review status: criteria provided, single submitter. Criteria: Ambry Variant Classification Scheme 2023. Collection method: clinical testing. Allele origin: germline.
Comment: The p.G635E variant (also known as c.1904G>A), located in coding exon 14 of the SDHA gene, results from a G to A substitution at nucleotide position 1904. The glycine at codon 635 is replaced by glutamic acid, an amino acid with similar properties. This amino acid position is conserved. In addition, the in silico prediction for this alteration is inconclusive. Since supporting evidence is limited at this time, the clinical significance of this alteration remains unclear.

NM_004168.4(SDHA):c.1904G>A (p.Gly635Glu)

Gene: SDHA (succinate dehydrogenase complex flavoprotein subunit A; plus strand). Cytogenetic location: 5p15.33.
Variant type: single nucleotide variant.
Coding change: c.1904G>A on transcript NM_004168.4 (MANE Select); coding-DNA position 1904, G replaced by A.
Protein change: p.Gly635Glu; replaces glycine 635 with glutamic acid.
Molecular consequence: missense variant.
Genome position (GRCh38, 1-based): chr5:254,502, G>A. VCF-style: chr5-254502-G-A. GRCh37 (hg19) VCF-style: chr5-254617-G-A.
Other names: c.1760G>A, p.Gly587Glu (NM_001294332.2); c.1661G>A, p.Gly554Glu (NM_001330758.2); short protein forms G554E, G587E, G635E.
Identifiers: ClinVar variation 2606432 (VCV002606432.2), dbSNP rs2477477367, ClinGen allele CA359002294.